The following is an entry in ClinVar:

NM_005629.4(SLC6A8):c.1699T>C (p.Ser567Pro)

Gene: SLC6A8 (solute carrier family 6 member 8; plus strand). Cytogenetic location: Xq28.
Variant type: single nucleotide variant.
Coding change: c.1699T>C on transcript NM_005629.4 (MANE Select); coding-DNA position 1699, T replaced by C.
Protein change: p.Ser567Pro; replaces serine 567 with proline.
Molecular consequence: missense variant.
Genome position (GRCh38, 1-based): chrX:153,694,821, T>C. VCF-style: chrX-153694821-T-C. GRCh37 (hg19) VCF-style: chrX-152960276-T-C.
Other names: NM_001142805.2:c.1669T>C; c.1669T>C, p.Ser557Pro (NM_001142805.2); c.1354T>C, p.Ser452Pro (NM_001142806.1); short protein forms S452P, S557P, S567P.
Identifiers: ClinVar variation 2683733 (VCV002683733.1), dbSNP rs782398727, ClinGen allele CA415090882.
Genomic context (GRCh38, chrX:153,694,821, plus strand): 5'-TACAACAACACCTACGTGTACCCGTGGTGGGGTGAGGCCATGGGCTGGGCCTTCGCCCTG[T>C]CCTCCATGCTGTGCGTGCCGCTGCACCTCCTGGGCTGCCTCCTCAGGGCCAAGGGCACCA-3'
Protein context (NP_005620.1, residues 557-577): GEAMGWAFAL[Ser567Pro]SMLCVPLHLL

ClinVar aggregate classification (germline): Likely pathogenic (3 of 4 stars; one submission).

Conditions:
Creatine transporter deficiency (CCDS1). Also called: CEREBRAL CREATINE DEFICIENCY SYNDROME 1; Mental retardation , X-linked with seizures, short stature and midface hypoplasia; Mental retardation , X-linked, with creatine transport deficiency; X-linked creatine transporter deficiency; X-linked creatine deficiency syndrome; SLC6A8-Related Creatine Transporter Deficiency. Identifiers: Orphanet 52503, MedGen C1845862, MONDO:0010305, OMIM 300352.

Submission:

ClinGen Cerebral Creatine Deficiency Syndromes Variant Curation Expert Panel, ClinGen
Classification: Likely pathogenic for Creatine transporter deficiency. Last evaluated: 2023-10-13. Review status: reviewed by expert panel. Criteria: ClinGen_CCDS_ACMG_Specifications_SLC6A8_v1.1. Collection method: curation. Allele origin: germline. Inheritance: X-linked inheritance.
Comment: The NM_005629.4:c.1699T>C variant in SLC6A8 is a missense variant that is predicted to result in the substitution of serine by proline at amino acid 567 (p.Ser567Pro). The variant is absent in gnomAD v2.1.1. (PM2_Supporting). The computational predictor REVEL gives a score of 0.94 which is above the threshold of 0.902, evidence that correlates with impact to SLC6A8 function (PP3). There is no ClinVar entry for this variant. In summary, this variant meets criteria to be classified as likely pathogenic for creatine transporter deficiency. SLC6A8-specific criteria applied, as specified by the ClinGen CCDS VCEP (Specifications Version 1.1.0): PM2_Supporting, PP3, PP4_Strong. (Classification approved by the ClinGen CCDS VCEP on Oct. 13, 2023)